The following is an entry in ClinVar:

NM_152384.3(BBS5):c.142+1del

Gene: BBS5 (Bardet-Biedl syndrome 5; plus strand). Cytogenetic location: 2q31.1.
Variant type: Deletion.
Coding change: c.142+1del on transcript NM_152384.3 (MANE Select); the canonical splice donor site of the intron after coding-DNA position 142, one base deleted (G; older notation c.142+1delG).
Molecular consequence: splice donor variant.
Genome position (GRCh38, 1-based): chr2:169,482,334, G deleted; the last of 2 consecutive G bases (chr2:169,482,333-169,482,334); deleting either gives the same sequence. VCF-style (leftmost placement, unchanged base first): chr2-169482332-AG-A. GRCh37 (hg19) VCF-style: chr2-170338842-AG-A.
Identifiers: ClinVar variation 1878589 (VCV001878589.1), dbSNP rs2468033258, ClinGen allele CA2580064467.
Genomic context (GRCh38, chr2:169,482,332, plus strand): 5'-AGAAGTCCTTATTGATTGTTTAGATTCCATTGAAGACACCAAAGGAAATAATGGAGATAG[AG>A]GTGAGTATATTTTTAAATGTATCTTATATTCCTGGTTTAATTTACAAATGTTGAATCATA-3'

ClinVar aggregate classification (germline): Likely pathogenic (1 of 4 stars; one submission).

Conditions:
Bardet-Biedl syndrome 5 (BBS5). Identifiers: Orphanet 110, MedGen C3892039, MONDO:0014434, OMIM 615983.

Submission:

Neuberg Centre For Genomic Medicine, NCGM
Classification: Likely pathogenic for Bardet-Biedl syndrome 5. Review status: criteria provided, single submitter. Criteria: ACMG Guidelines, 2015. Collection method: clinical testing. Allele origin: germline. Affected: yes.
Comment: The frameshift variant c.142+1del in BBS5 gene has not been reported previously as a pathogenic variant nor as a benign variant, to our knowledge. The variant is novel (not in any individuals) in gnomAD Exomes and 1000 Genomes. The variant affects an invariant splice nucleotide and is expected to cause protein truncation. Loss of function mutations have been previously reported within this gene. For these reasons, this variant has been classified as Likely Pathogenic